The following is an entry in ClinVar:

ClinVar aggregate classification (germline): Uncertain significance (1 of 4 stars; one submission).

Conditions:
Peroxisome biogenesis disorder 12A (Zellweger). Also called: Peroxisome biogenesis disorder 12A. Identifiers: Orphanet 912, MedGen C3554002, MONDO:0013951, OMIM 614886.

Allele frequency attached by ClinVar (database versions not stated): gnomAD exomes below 0.00001 and 0.00001; TOPMed 0.00003; gnomAD 0.00004; ESP Exome Variant Server 0.00008.
gnomAD v4.1: 11 of 1,613,482 alleles (0.00068%); highest among the groups gnomAD compares: Middle Eastern, 0.018%; no homozygotes.

Submission:

Labcorp Genetics (formerly Invitae), Labcorp
Classification: Uncertain significance for Peroxisome biogenesis disorder 12A (Zellweger). Last evaluated: 2023-11-27. Review status: criteria provided, single submitter. Criteria: Invitae Variant Classification Sherloc (09022015). Collection method: clinical testing. Allele origin: germline.
Comment: This sequence change replaces alanine, which is neutral and non-polar, with threonine, which is neutral and polar, at codon 65 of the PEX19 protein (p.Ala65Thr). This variant is present in population databases (rs376013124, gnomAD 0.006%). This variant has not been reported in the literature in individuals affected with PEX19-related conditions. ClinVar contains an entry for this variant (Variation ID: 1424371). Advanced modeling of protein sequence and biophysical properties (such as structural, functional, and spatial information, amino acid conservation, physicochemical variation, residue mobility, and thermodynamic stability) performed at Invitae indicates that this missense variant is not expected to disrupt PEX19 protein function with a negative predictive value of 80%. In summary, the available evidence is currently insufficient to determine the role of this variant in disease. Therefore, it has been classified as a Variant of Uncertain Significance.

NM_002857.4(PEX19):c.193G>A (p.Ala65Thr)

Gene: PEX19 (peroxisomal biogenesis factor 19; minus strand). Cytogenetic location: 1q23.2.
Variant type: single nucleotide variant.
Coding change: c.193G>A on transcript NM_002857.4 (MANE Select); coding-DNA position 193, G replaced by A.
Protein change: p.Ala65Thr; replaces alanine 65 with threonine.
Molecular consequence: missense variant. On other transcripts: non-coding transcript variant (2).
Genome position (GRCh38, 1-based): chr1:160,283,097, C>T on the plus strand (G>A on the coding strand, the complement: PEX19 is on the minus strand). VCF-style: chr1-160283097-C-T. GRCh37 (hg19) VCF-style: chr1-160252887-C-T.
Other names: c.193G>A, p.Ala65Thr (NM_001193644.1); short protein forms A65T.
Identifiers: ClinVar variation 1424371 (VCV001424371.6), dbSNP rs376013124, ClinGen allele CA31525221.